The following is an entry in ClinVar:

ClinVar aggregate classification (germline): Uncertain significance (1 of 4 stars; one submission).

Submission:

Labcorp Genetics (formerly Invitae), Labcorp
Classification: Uncertain significance. Last evaluated: 2025-07-28. Review status: criteria provided, single submitter. Criteria: Invitae Variant Classification Sherloc (09022015). Collection method: clinical testing. Allele origin: germline.
Comment: This sequence change replaces arginine, which is basic and polar, with serine, which is neutral and polar, at codon 580 of the PLG protein (p.Arg580Ser). This variant is not present in population databases (gnomAD no frequency). This variant has not been reported in the literature in individuals affected with PLG-related conditions. Invitae Evidence Modeling of protein sequence and biophysical properties (such as structural, functional, and spatial information, amino acid conservation, physicochemical variation, residue mobility, and thermodynamic stability) indicates that this missense variant is not expected to disrupt PLG protein function with a negative predictive value of 80%. In summary, the available evidence is currently insufficient to determine the role of this variant in disease. Therefore, it has been classified as a Variant of Uncertain Significance.

NM_000301.5(PLG):c.1740G>T (p.Arg580Ser)

Gene: PLG (plasminogen; plus strand). Cytogenetic location: 6q26.
Variant type: single nucleotide variant.
Coding change: c.1740G>T on transcript NM_000301.5 (MANE Select); coding-DNA position 1740, G replaced by T.
Protein change: p.Arg580Ser; replaces arginine 580 with serine.
Molecular consequence: missense variant.
Genome position (GRCh38, 1-based): chr6:160,736,945, G>T. VCF-style: chr6-160736945-G-T. GRCh37 (hg19) VCF-style: chr6-161157977-G-T.
Other names: short protein forms R580S.
Identifiers: ClinVar variation 4780000 (VCV004780000.1).